The following is an entry in ClinVar:

NM_000807.4(GABRA2):c.1059+10A>G

Gene: GABRA2 (gamma-aminobutyric acid type A receptor subunit alpha2; minus strand). Cytogenetic location: 4p12.
Variant type: single nucleotide variant.
Coding change: c.1059+10A>G on transcript NM_000807.4 (MANE Select); 10 bases into the intron after coding-DNA position 1059, A replaced by G.
Molecular consequence: intron variant. On other transcripts: missense variant (1).
Genome position (GRCh38, 1-based): chr4:46,261,916, T>C on the plus strand (A>G on the coding strand, the complement: GABRA2 is on the minus strand). VCF-style: chr4-46261916-T-C. GRCh37 (hg19) VCF-style: chr4-46263933-T-C.
Other names: c.1069A>G, p.Ser357Gly (NM_001377155.1); c.894+10A>G (NM_001377154.1, NM_001377152.1, NM_001286827.3 and 1 more transcripts); c.1059+10A>G (NM_001377146.1, NM_001377145.1, NM_001377144.1 and 8 more transcripts); short protein forms S357G.
Identifiers: ClinVar variation 1641539 (VCV001641539.10), dbSNP rs745474402, ClinGen allele CA2906609.
Genomic context (GRCh38, chr4:46,261,916, plus strand): 5'-ACATATCTGTTACAAGCGGAATTCATTAGGGTATTTTCTTAATAATGATAACACGGAAGC[T>C]CTCACTTACCTTGTCATTTACTACACTCTTCCCATCCCAAGCCCATCCTCTTTTGGTGAA-3'

ClinVar aggregate classification (germline): Likely benign. Review status: criteria provided, single submitter (1 of 4 stars). 2 submissions from 2 submitters: Likely benign (1). 1 of the submissions does not count toward it. Last evaluated 2025-12-29.

Conditions:
GABRA2-related disorder. Also called: GABRA2-related condition.

gnomAD v4.1: 9 of 1,607,702 alleles (0.00056%); highest among the groups gnomAD compares: Admixed American, 0.015%; no homozygotes.

Submissions (2):

Labcorp Genetics (formerly Invitae), Labcorp
Classification: Likely benign. Last evaluated: 2025-12-29. Review status: criteria provided, single submitter. Criteria: Invitae Variant Classification Sherloc (09022015). Collection method: clinical testing. Allele origin: germline.

PreventionGenetics, part of Exact Sciences
Classification: Likely benign for GABRA2-related condition. Last evaluated: 2020-02-27. Review status: no assertion criteria provided. Collection method: clinical testing. Allele origin: germline. Not counted in ClinVar's aggregate classification.
Comment: This variant is classified as likely benign based on ACMG/AMP sequence variant interpretation guidelines (Richards et al. 2015 PMID: 25741868, with internal and published modifications).